The following is an entry in ClinVar:

NM_002661.5(PLCG2):c.3264G>T (p.Glu1088Asp)

Gene: PLCG2 (phospholipase C gamma 2; plus strand). Cytogenetic location: 16q23.3.
Variant type: single nucleotide variant.
Coding change: c.3264G>T on transcript NM_002661.5 (MANE Select); coding-DNA position 3264, G replaced by T.
Protein change: p.Glu1088Asp; replaces glutamic acid 1088 with aspartic acid.
Molecular consequence: missense variant.
Genome position (GRCh38, 1-based): chr16:81,938,866, G>T. VCF-style: chr16-81938866-G-T. GRCh37 (hg19) VCF-style: chr16-81972471-G-T.
Other names: c.3264G>T, p.Glu1088Asp (NM_001425749.1, NM_001425750.1, NM_001425751.1); short protein forms E1088D.
Identifiers: ClinVar variation 4735572 (VCV004735572.1).

ClinVar aggregate classification (germline): Uncertain significance (1 of 4 stars; one submission).

Conditions:
Familial cold autoinflammatory syndrome 3 (FCAS3). Also called: FAMILIAL ATYPICAL COLD URTICARIA; ANTIBODY DEFICIENCY AND IMMUNE DYSREGULATION, PLCG2-ASSOCIATED. Identifiers: Orphanet 300359, MedGen C3280914, MONDO:0013766, OMIM 614468.

Submission:

Labcorp Genetics (formerly Invitae), Labcorp
Classification: Uncertain significance for Familial cold autoinflammatory syndrome 3. Last evaluated: 2026-01-23. Review status: criteria provided, single submitter. Criteria: Invitae Variant Classification Sherloc (09022015). Collection method: clinical testing. Allele origin: germline.
Comment: This sequence change replaces glutamic acid, which is acidic and polar, with aspartic acid, which is acidic and polar, at codon 1088 of the PLCG2 protein (p.Glu1088Asp). This variant is not present in population databases (gnomAD no frequency). This variant has not been reported in the literature in individuals affected with PLCG2-related conditions. An algorithm developed to predict the effect of missense changes on protein structure and function (PolyPhen-2) suggests that this variant is likely to be disruptive. In summary, the available evidence is currently insufficient to determine the role of this variant in disease. Therefore, it has been classified as a Variant of Uncertain Significance.